The following is an entry in ClinVar:

NM_001127222.2(CACNA1A):c.3822+5G>A

Gene: CACNA1A (calcium voltage-gated channel subunit alpha1 A; minus strand). Cytogenetic location: 19p13.13.
Variant type: single nucleotide variant.
Coding change: c.3822+5G>A on transcript NM_001127222.2 (MANE Select); 5 bases into the intron after coding-DNA position 3822, G replaced by A.
Molecular consequence: intron variant.
Genome position (GRCh38, 1-based): chr19:13,283,262, C>T on the plus strand (G>A on the coding strand, the complement: CACNA1A is on the minus strand). VCF-style: chr19-13283262-C-T. GRCh37 (hg19) VCF-style: chr19-13394076-C-T.
Other names: c.3825+5G>A (NM_001127221.2, NM_001174080.2); c.3834+5G>A (NM_000068.4, NM_023035.3).
Identifiers: ClinVar variation 4682327 (VCV004682327.1).

ClinVar aggregate classification (germline): Uncertain significance (1 of 4 stars; one submission).

Submission:

Athena Diagnostics
Classification: Uncertain significance. Last evaluated: 2025-07-31. Review status: criteria provided, single submitter. Criteria: Athena Diagnostics Criteria. Collection method: clinical testing. Allele origin: unknown.
Comment: Available data are insufficient to determine the clinical significance of the variant at this time. This variant has not been reported in large, multi-ethnic general populations. Computational tools yielded predictions that this variant may interfere with normal RNA splicing.